The following is an entry in ClinVar:

NM_173500.4(TTBK2):c.2133C>A (p.Phe711Leu)

Gene: TTBK2 (tau tubulin kinase 2; minus strand). Cytogenetic location: 15q15.2.
Variant type: single nucleotide variant.
Coding change: c.2133C>A on transcript NM_173500.4 (MANE Select); coding-DNA position 2133, C replaced by A.
Protein change: p.Phe711Leu; replaces phenylalanine 711 with leucine.
Molecular consequence: missense variant.
Genome position (GRCh38, 1-based): chr15:42,753,113, G>T on the plus strand (C>A on the coding strand, the complement: TTBK2 is on the minus strand). VCF-style: chr15-42753113-G-T. GRCh37 (hg19) VCF-style: chr15-43045311-G-T.
Other names: short protein forms F711L.
Identifiers: ClinVar variation 315990 (VCV000315990.19), dbSNP rs76000738, ClinGen allele CA7516776.

ClinVar aggregate classification (germline): Benign/Likely benign. Review status: criteria provided, multiple submitters, no conflicts (2 of 4 stars). 6 submissions from 6 submitters: Benign (3); Likely benign (2). 1 of the submissions does not count toward it. Last evaluated 2026-01-19.

Conditions:
Spinocerebellar ataxia type 11 (SCA11). Identifiers: Orphanet 98767, MedGen C1858351, MONDO:0011464, OMIM 604432.
TTBK2-related disorder. Also called: TTBK2-related condition.

Allele frequency attached by ClinVar (database versions not stated): gnomAD exomes 0.00040 and 0.00109; ExAC 0.00116; ESP Exome Variant Server 0.00378; gnomAD 0.00443 and 0.00477; TOPMed 0.00512; 1000 Genomes Project 0.00519; 1000 Genomes Project 30x 0.00547.
gnomAD v4.1: 1,258 of 1,598,086 alleles (0.079%); highest among the groups gnomAD compares: African/African-American, 1.6%; 10 homozygotes.

Submissions (6):

Labcorp Genetics (formerly Invitae), Labcorp
Classification: Benign. Last evaluated: 2026-01-19. Review status: criteria provided, single submitter. Criteria: Invitae Variant Classification Sherloc (09022015). Collection method: clinical testing. Allele origin: germline.

Blueprint Genetics
Classification: Likely benign. Last evaluated: 2024-11-14. Review status: criteria provided, single submitter. Criteria: ACMG Guidelines, 2015. Collection method: clinical testing. Allele origin: germline.

Athena Diagnostics
Classification: Benign. Last evaluated: 2024-02-08. Review status: criteria provided, single submitter. Criteria: Athena Diagnostics Criteria. Collection method: clinical testing. Allele origin: unknown.

GeneDx
Classification: Likely benign. Last evaluated: 2023-07-27. Review status: criteria provided, single submitter. Criteria: GeneDx Variant Classification Process June 2021. Collection method: clinical testing. Allele origin: germline. Affected: yes.
Comment: See Variant Classification Assertion Criteria.

Illumina Laboratory Services, Illumina
Classification: Benign for Spinocerebellar ataxia type 11. Last evaluated: 2018-01-13. Review status: criteria provided, single submitter. Criteria: ICSL Variant Classification Criteria 13 December 2019. Collection method: clinical testing. Allele origin: germline.
Comment: This variant was observed in the ICSL laboratory as part of a predisposition screen in an ostensibly healthy population. It had not been previously curated by ICSL or reported in the Human Gene Mutation Database (HGMD: prior to June 1st, 2018), and was therefore a candidate for classification through an automated scoring system. Utilizing variant allele frequency, disease prevalence and penetrance estimates, and inheritance mode, an automated score was calculated to assess if this variant is too frequent to cause the disease. Based on the score and internal cut-off values, a variant classified as benign is not then subjected to further curation. The score for this variant resulted in a classification of benign for this disease.

PreventionGenetics, part of Exact Sciences
Classification: Benign for TTBK2-related condition. Last evaluated: 2024-03-07. Review status: no assertion criteria provided. Collection method: clinical testing. Allele origin: germline. Not counted in ClinVar's aggregate classification.
Comment: This variant is classified as benign based on ACMG/AMP sequence variant interpretation guidelines (Richards et al. 2015 PMID: 25741868, with internal and published modifications).

Literature cited by the submitters: PubMed 26420498 (cited by Athena Diagnostics); PubMed 37758711 (cited by Athena Diagnostics).